The following is an entry in ClinVar:

ClinVar aggregate classification (germline): Uncertain significance (1 of 4 stars; one submission).

Conditions:
LAMA2-related muscular dystrophy (LAMA2-RD). Also called: Laminin alpha 2-related dystrophy. Identifiers: MedGen C5679788, MONDO:0100228.

Submission:

Labcorp Genetics (formerly Invitae), Labcorp
Classification: Uncertain significance for LAMA2-related muscular dystrophy. Last evaluated: 2022-06-23. Review status: criteria provided, single submitter. Criteria: Invitae Variant Classification Sherloc (09022015). Collection method: clinical testing. Allele origin: germline.
Comment: In summary, the available evidence is currently insufficient to determine the role of this variant in disease. Therefore, it has been classified as a Variant of Uncertain Significance. Advanced modeling of protein sequence and biophysical properties (such as structural, functional, and spatial information, amino acid conservation, physicochemical variation, residue mobility, and thermodynamic stability) performed at Invitae indicates that this missense variant is not expected to disrupt LAMA2 protein function. This variant has not been reported in the literature in individuals affected with LAMA2-related conditions. This variant is not present in population databases (gnomAD no frequency). This sequence change replaces aspartic acid, which is acidic and polar, with asparagine, which is neutral and polar, at codon 1316 of the LAMA2 protein (p.Asp1316Asn).

NM_000426.4(LAMA2):c.3946G>A (p.Asp1316Asn)

Gene: LAMA2 (laminin subunit alpha 2; plus strand). Cytogenetic location: 6q22.33.
Variant type: single nucleotide variant.
Coding change: c.3946G>A on transcript NM_000426.4 (MANE Select); coding-DNA position 3946, G replaced by A.
Protein change: p.Asp1316Asn; replaces aspartic acid 1316 with asparagine.
Molecular consequence: missense variant.
Genome position (GRCh38, 1-based): chr6:129,316,059, G>A. VCF-style: chr6-129316059-G-A. GRCh37 (hg19) VCF-style: chr6-129637204-G-A.
Other names: c.3946G>A, p.Asp1316Asn (NM_001079823.2); short protein forms D1316N.
Identifiers: ClinVar variation 1928040 (VCV001928040.5), dbSNP rs2482418562, ClinGen allele CA365613636.